The following is an entry in ClinVar:

ClinVar aggregate classification (germline): Pathogenic (1 of 4 stars; one submission).

Conditions:
Nephronophthisis. Also called: Juvenile Nephronophthisis. Identifiers: Orphanet 655, MedGen C0687120, MONDO:0019005, HP:0000090.

Submission:

Labcorp Genetics (formerly Invitae), Labcorp
Classification: Pathogenic for Nephronophthisis. Last evaluated: 2023-06-23. Review status: criteria provided, single submitter. Criteria: Invitae Variant Classification Sherloc (09022015). Collection method: clinical testing. Allele origin: germline.
Comment: This variant is a gross deletion of the genomic region encompassing exon(s) 12-16 of the NPHP4 gene. This variant would be expected to be in-frame, preserving the integrity of the reading frame. For these reasons, this variant has been classified as Pathogenic. A similar copy number variant has been observed in individual(s) with nephronophthisis (PMID: 31810733). In at least one individual the data is consistent with being in trans (on the opposite chromosome) from a pathogenic variant. It has also been observed to segregate with disease in related individuals.

Literature cited by the submitters: PubMed 31810733.

NC_000001.10:g.(?_5964657)_(5969293_?)del

Gene: NPHP4 (nephrocystin 4; minus strand). Cytogenetic location: 1p36.31.
Variant type: Deletion.
Identifiers: ClinVar variation 2426065 (VCV002426065.4).